The following is an entry in ClinVar:

ClinVar aggregate classification (germline): Uncertain significance (1 of 4 stars; one submission).

Submission:

Labcorp Genetics (formerly Invitae), Labcorp
Classification: Uncertain significance. Last evaluated: 2024-09-11. Review status: criteria provided, single submitter. Criteria: Invitae Variant Classification Sherloc (09022015). Collection method: clinical testing. Allele origin: germline.
Comment: This sequence change replaces arginine, which is basic and polar, with methionine, which is neutral and non-polar, at codon 123 of the LZTS1 protein (p.Arg123Met). This variant is not present in population databases (gnomAD no frequency). This variant has not been reported in the literature in individuals affected with LZTS1-related conditions. Invitae Evidence Modeling of protein sequence and biophysical properties (such as structural, functional, and spatial information, amino acid conservation, physicochemical variation, residue mobility, and thermodynamic stability) indicates that this missense variant is expected to disrupt LZTS1 protein function with a positive predictive value of 80%. In summary, the available evidence is currently insufficient to determine the role of this variant in disease. Therefore, it has been classified as a Variant of Uncertain Significance.

NM_021020.5(LZTS1):c.368G>T (p.Arg123Met)

Gene: LZTS1 (leucine zipper tumor suppressor 1; minus strand). Cytogenetic location: 8p21.3.
Variant type: single nucleotide variant.
Coding change: c.368G>T on transcript NM_021020.5 (MANE Select); coding-DNA position 368, G replaced by T.
Protein change: p.Arg123Met; replaces arginine 123 with methionine.
Molecular consequence: missense variant.
Genome position (GRCh38, 1-based): chr8:20,253,563, C>A on the plus strand (G>T on the coding strand, the complement: LZTS1 is on the minus strand). VCF-style: chr8-20253563-C-A. GRCh37 (hg19) VCF-style: chr8-20111074-C-A.
Other names: c.368G>T, p.Arg123Met (NM_001362884.2); short protein forms R123M.
Identifiers: ClinVar variation 3706977 (VCV003706977.2).